The following is an entry in ClinVar:

ClinVar aggregate classification (germline): Benign/Likely benign. Review status: criteria provided, multiple submitters, no conflicts (2 of 4 stars). 9 submissions from 8 submitters: Benign (7); Likely benign (2). Last evaluated 2026-01-14.

Conditions:
Lethal Kniest-like syndrome (DDSH). Also called: Dyssegmental Dysplasia. Identifiers: Orphanet 1865, MedGen C1857100, MONDO:0009140, OMIM 224410.
Schwartz-Jampel syndrome. Also called: Myotonic myopathy dwarfism chondrodystrophy and ocular and facial abnormalities. Identifiers: Orphanet 800, MedGen C0036391, MONDO:0009717.

Allele frequency attached by ClinVar (database versions not stated): gnomAD exomes 0.00081; ExAC 0.00130; gnomAD 0.00278 and 0.00304; 1000 Genomes Project 0.00280; 1000 Genomes Project 30x 0.00312; ESP Exome Variant Server 0.00323; TOPMed 0.00333.
gnomAD v4.1: 911 of 1,609,424 alleles (0.057%); highest among the groups gnomAD compares: African/African-American, 1.1%; 7 homozygotes.

Submissions (9):

Labcorp Genetics (formerly Invitae), Labcorp
Classification: Benign. Last evaluated: 2026-01-14. Review status: criteria provided, single submitter. Criteria: Invitae Variant Classification Sherloc (09022015). Collection method: clinical testing. Allele origin: germline.

Blueprint Genetics
Classification: Likely benign. Last evaluated: 2024-11-25. Review status: criteria provided, single submitter. Criteria: ACMG Guidelines, 2015. Collection method: clinical testing. Allele origin: germline.

ARUP Laboratories, Molecular Genetics and Genomics, ARUP Laboratories
Classification: Benign. Last evaluated: 2024-10-16. Review status: criteria provided, single submitter. Criteria: ARUP Molecular Germline Variant Investigation Process 2024. Collection method: clinical testing. Allele origin: germline.

Athena Diagnostics
Classification: Benign. Last evaluated: 2023-12-08. Review status: criteria provided, single submitter. Criteria: Athena Diagnostics Criteria. Collection method: clinical testing. Allele origin: unknown.

CeGaT Center for Human Genetics Tuebingen
Classification: Likely benign. Last evaluated: 2023-05-01. Review status: criteria provided, single submitter. Criteria: CeGaT Center For Human Genetics Tuebingen Variant Classification Criteria Version 2. Collection method: clinical testing. Allele origin: germline. Affected: yes. Observed: 2 variant alleles.
Comment: HSPG2: BP4, BP7

GeneDx
Classification: Benign. Last evaluated: 2020-09-10. Review status: criteria provided, single submitter. Criteria: GeneDx Variant Classification Process June 2021. Collection method: clinical testing. Allele origin: germline. Affected: yes.

Illumina Laboratory Services, Illumina
Classification: Benign for Schwartz-Jampel syndrome type 1. Last evaluated: 2018-01-13. Review status: criteria provided, single submitter. Criteria: ICSL Variant Classification Criteria 13 December 2019. Collection method: clinical testing. Allele origin: germline.
Comment: This variant was observed in the ICSL laboratory as part of a predisposition screen in an ostensibly healthy population. It had not been previously curated by ICSL or reported in the Human Gene Mutation Database (HGMD: prior to June 1st, 2018), and was therefore a candidate for classification through an automated scoring system. Utilizing variant allele frequency, disease prevalence and penetrance estimates, and inheritance mode, an automated score was calculated to assess if this variant is too frequent to cause the disease. Based on the score and internal cut-off values, a variant classified as benign is not then subjected to further curation. The score for this variant resulted in a classification of benign for this disease.

Illumina Laboratory Services, Illumina
Classification: Benign for Lethal Kniest-like syndrome. Last evaluated: 2018-01-13. Review status: criteria provided, single submitter. Criteria: ICSL Variant Classification Criteria 13 December 2019. Collection method: clinical testing. Allele origin: germline.
Comment: the same text as in the submission from Illumina Laboratory Services, Illumina above.

Eurofins Ntd Llc (ga)
Classification: Benign. Last evaluated: 2015-02-10. Review status: criteria provided, single submitter. Criteria: EGL Classification Definitions 2015. Collection method: clinical testing. Allele origin: germline. Observed: 1 variant allele, 1 heterozygote.

NM_005529.7(HSPG2):c.3336C>T (p.Pro1112=)

Gene: HSPG2 (heparan sulfate proteoglycan 2; minus strand). Cytogenetic location: 1p36.12.
Variant type: single nucleotide variant.
Coding change: c.3336C>T on transcript NM_005529.7 (MANE Select); coding-DNA position 3336, C replaced by T.
Protein change: p.Pro1112=; no amino-acid change (proline 1112 retained).
Molecular consequence: synonymous variant.
Genome position (GRCh38, 1-based): chr1:21,874,969, G>A on the plus strand (C>T on the coding strand, the complement: HSPG2 is on the minus strand). VCF-style: chr1-21874969-G-A. GRCh37 (hg19) VCF-style: chr1-22201462-G-A.
Other names: c.3339C>T, p.Pro1113= (NM_001291860.2).
Identifiers: ClinVar variation 195973 (VCV000195973.45), dbSNP rs2228348, ClinGen allele CA202058.